The following is an entry in ClinVar:

NM_001605.3(AARS1):c.2699C>T (p.Thr900Met)

Gene: AARS1 (alanyl-tRNA synthetase 1; minus strand). Cytogenetic location: 16q22.1.
Variant type: single nucleotide variant.
Coding change: c.2699C>T on transcript NM_001605.3 (MANE Select); coding-DNA position 2699, C replaced by T.
Protein change: p.Thr900Met; replaces threonine 900 with methionine.
Molecular consequence: missense variant.
Genome position (GRCh38, 1-based): chr16:70,253,290, G>A on the plus strand (C>T on the coding strand, the complement: AARS1 is on the minus strand). VCF-style: chr16-70253290-G-A. GRCh37 (hg19) VCF-style: chr16-70287193-G-A.
Other names: short protein forms T900M.
Identifiers: ClinVar variation 4811585 (VCV004811585.1).
Genomic context (GRCh38, chr16:70,253,290, plus strand): 5'-AGACCTAACACTTCCCACTGGTGCGAGGTGGTGCTGACCTGGGGAACTTGACACAGGCAC[G>A]TGATCTTGCCAGCCTCATTGTCCACCGTGAAGAGCATGGCAGAAGTCTGAGGGGAGTGCA-3'
Protein context (NP_001596.2, residues 890-910): FTVDNEAGKI[Thr900Met]CLCQVPQNAA

ClinVar aggregate classification (germline): Uncertain significance (1 of 4 stars; one submission).

Conditions:
Charcot-Marie-Tooth disease type 2. Also called: Charcot-Marie-Tooth type 2. Identifiers: Orphanet 64746, MedGen C0270914, MONDO:0018993.

gnomAD v4.1: 6 of 1,614,040 alleles (0.00037%); highest among the groups gnomAD compares: African/African-American, 0.0027%; no homozygotes.

Submission:

Labcorp Genetics (formerly Invitae), Labcorp
Classification: Uncertain significance for Charcot-Marie-Tooth disease type 2. Last evaluated: 2025-08-10. Review status: criteria provided, single submitter. Criteria: Invitae Variant Classification Sherloc (09022015). Collection method: clinical testing. Allele origin: germline.
Comment: This sequence change replaces threonine, which is neutral and polar, with methionine, which is neutral and non-polar, at codon 900 of the AARS protein (p.Thr900Met). This variant is present in population databases (no rsID available, gnomAD 0.0009%). This variant has not been reported in the literature in individuals affected with AARS-related conditions. Invitae Evidence Modeling of protein sequence and biophysical properties (such as structural, functional, and spatial information, amino acid conservation, physicochemical variation, residue mobility, and thermodynamic stability) indicates that this missense variant is not expected to disrupt AARS protein function with a negative predictive value of 95%. In summary, the available evidence is currently insufficient to determine the role of this variant in disease. Therefore, it has been classified as a Variant of Uncertain Significance.